The following is an entry in ClinVar:

NM_001170535.3(ATAD3A):c.751-80G>A

Gene: ATAD3A (ATPase family AAA domain containing 3A; plus strand). Cytogenetic location: 1p36.33.
Variant type: single nucleotide variant.
Coding change: c.751-80G>A on transcript NM_001170535.3 (MANE Select); 80 bases into the intron before coding-DNA position 751, G replaced by A.
Molecular consequence: intron variant.
Genome position (GRCh38, 1-based): chr1:1,522,664, G>A. VCF-style: chr1-1522664-G-A. GRCh37 (hg19) VCF-style: chr1-1458044-G-A.
Other names: c.514-80G>A (NM_001170536.3); c.895-80G>A (NM_018188.5).
Identifiers: ClinVar variation 4880857 (VCV004880857.2).
Genomic context (GRCh38, chr1:1,522,664, plus strand): 5'-TTCGCGTTCCTGTGGGGCCAGTGCACGGCCCTGTGCTTCTCCCTCGGGCGGAGAGAGGGT[G>A]GGGGCAGCCCCGTGCGTCTCCTGCTCTAAGAGGGAGGGACGGTGGGGGCCGGTGCGCCAG-3'

ClinVar aggregate classification (germline): Uncertain significance (1 of 4 stars; one submission).

Conditions:
Harel-Yoon syndrome (HAYOS). Also called: Optic atrophy-peripheral neuropathy-developmental delay syndrome. Identifiers: Orphanet 496790, MedGen C4310677, MONDO:0014958, OMIM 617183.

gnomAD v4.1: 77 of 1,583,872 alleles (0.0049%); highest among the groups gnomAD compares: African/African-American, 0.074%; no homozygotes.

Submission:

Dasa
Classification: Uncertain significance for Harel-Yoon syndrome. Last evaluated: 2026-02-16. Review status: criteria provided, single submitter. Criteria: DASA Assertion Criteria. Collection method: clinical testing. Allele origin: germline.
Comment: NM_001170535.3(ATAD3A):c.751-80G>A is an intronic variant. This variant is rare in population databases. Computational prediction algorithms are consistent with a deleterious effect. The currently available literature and clinical evidence are not sufficient to establish a definitive association between this variant and the reported condition. Therefore, this variant is classified as a variant of uncertain significance.